The following is an entry in ClinVar:

ClinVar aggregate classification (germline): Uncertain significance (1 of 4 stars; one submission).

gnomAD v4.1: 5 of 1,613,040 alleles (0.00031%); highest among the groups gnomAD compares: East Asian, 0.0022%; no homozygotes.

Submission:

Labcorp Genetics (formerly Invitae), Labcorp
Classification: Uncertain significance. Last evaluated: 2022-10-17. Review status: criteria provided, single submitter. Criteria: Invitae Variant Classification Sherloc (09022015). Collection method: clinical testing. Allele origin: germline.
Comment: This sequence change replaces glycine, which is neutral and non-polar, with alanine, which is neutral and non-polar, at codon 228 of the PHYH protein (p.Gly228Ala). This variant is present in population databases (no rsID available, gnomAD 0.003%). This variant has not been reported in the literature in individuals affected with PHYH-related conditions. ClinVar contains an entry for this variant (Variation ID: 947644). Advanced modeling of protein sequence and biophysical properties (such as structural, functional, and spatial information, amino acid conservation, physicochemical variation, residue mobility, and thermodynamic stability) performed at Invitae indicates that this missense variant is not expected to disrupt PHYH protein function. In summary, the available evidence is currently insufficient to determine the role of this variant in disease. Therefore, it has been classified as a Variant of Uncertain Significance.

NM_006214.4(PHYH):c.683G>C (p.Gly228Ala)

Gene: PHYH (phytanoyl-CoA 2-hydroxylase; minus strand). Cytogenetic location: 10p13.
Variant type: single nucleotide variant.
Coding change: c.683G>C on transcript NM_006214.4 (MANE Select); coding-DNA position 683, G replaced by C.
Protein change: p.Gly228Ala; replaces glycine 228 with alanine.
Molecular consequence: missense variant.
Genome position (GRCh38, 1-based): chr10:13,283,835, C>G on the plus strand (G>C on the coding strand, the complement: PHYH is on the minus strand). VCF-style: chr10-13283835-C-G. GRCh37 (hg19) VCF-style: chr10-13325835-C-G.
Other names: c.383G>C, p.Gly128Ala (NM_001037537.2, NM_001323080.2); c.689G>C, p.Gly230Ala (NM_001323082.2); c.419G>C, p.Gly140Ala (NM_001323083.2); c.389G>C, p.Gly130Ala (NM_001323084.2); short protein forms G140A, G228A, G128A, G130A, G230A.
Identifiers: ClinVar variation 947644 (VCV000947644.5), dbSNP rs768919554, ClinGen allele CA203276388.
Genomic context (GRCh38, chr10:13,283,835, plus strand): 5'-AGGTGCACCCGGGCCTTGTTTTCCTCGTAGTCCTGGATCCCGTGGAACATTTTGTTAACT[C>G]CCCCCTAGAACAAGAGGCAAGTGAAGTCTACATTTGAGGGAGTACCATAATTAAAAACAT-3'
Protein context (NP_006205.1, residues 218-238): KPHDYPKWEG[Gly228Ala]VNKMFHGIQD